The following is an entry in ClinVar:

NM_000059.4(BRCA2):c.5313T>C (p.Gly1771=)

Gene: BRCA2 (BRCA2 DNA repair associated; plus strand). Cytogenetic location: 13q13.1.
Variant type: single nucleotide variant.
Coding change: c.5313T>C on transcript NM_000059.4 (MANE Select); coding-DNA position 5313, T replaced by C.
Protein change: p.Gly1771=; no amino-acid change (glycine 1771 retained).
Molecular consequence: synonymous variant.
Genome position (GRCh38, 1-based): chr13:32,339,668, T>C. VCF-style: chr13-32339668-T-C. GRCh37 (hg19) VCF-style: chr13-32913805-T-C.
Identifiers: ClinVar variation 631307 (VCV000631307.15), dbSNP rs1566232193, ClinGen allele CA483438601.

ClinVar aggregate classification (germline): Likely benign. Review status: criteria provided, multiple submitters, no conflicts (2 of 4 stars). 5 submissions from 5 submitters: Likely benign (5). Last evaluated 2023-11-28.

Conditions:
Hereditary cancer-predisposing syndrome. Also called: Hereditary Cancer Syndrome; Neoplastic Syndromes, Hereditary; Tumor predisposition; Hereditary neoplastic syndrome. Identifiers: Orphanet 140162, MedGen C0027672, MeSH D009386, MONDO:0015356.
Breast and/or ovarian cancer. Identifiers: MedGen CN221562.
Hereditary breast ovarian cancer syndrome. Also called: Hereditary breast and ovarian cancer syndrome; Hereditary breast and ovarian cancer syndrome (HBOC); Hereditary breast and ovarian cancer; Hereditary breast and/or ovarian cancer syndrome; Breast and ovarian cancer; BRCA1- and BRCA2-Associated Hereditary Breast and Ovarian Cancer. Identifiers: Orphanet 145, MedGen C0677776, MeSH D061325, MONDO:0003582. Disease mechanism: loss of function.
Breast-ovarian cancer, familial, susceptibility to, 2 (BROVCA2). Also called: BRCA2 Hereditary Breast and Ovarian Cancer. Identifiers: Orphanet 145, MedGen C2675520, MONDO:0012933, OMIM 612555. Disease mechanism: loss of function.

Allele frequency attached by ClinVar (database versions not stated): gnomAD exomes below 0.00001.
gnomAD v4.1: 2 of 1,612,492 alleles (0.00012%); highest among the groups gnomAD compares: Non-Finnish European, 0.00017%; no homozygotes.

Submissions (5):

All of Us Research Program, National Institutes of Health
Classification: Likely benign for Breast-ovarian cancer, familial, susceptibility to, 2. Last evaluated: 2023-11-28. Review status: criteria provided, single submitter. Criteria: ACMG Guidelines, 2015. Collection method: clinical testing. Allele origin: germline. Inheritance: Autosomal dominant inheritance. Observed: 1 variant allele, 1 heterozygote.
Comment: This study involves interpretation of variants in research participants for the purpose of population health screening. Participant phenotype was not available at the time of variant classification. Additional details can be found in publication PMID: 35346344, PMCID: PMC8962531

Labcorp Genetics (formerly Invitae), Labcorp
Classification: Likely benign for Hereditary breast ovarian cancer syndrome. Last evaluated: 2022-01-15. Review status: criteria provided, single submitter. Criteria: Invitae Variant Classification Sherloc (09022015). Collection method: clinical testing. Allele origin: germline.

Ambry Genetics
Classification: Likely benign for Hereditary cancer-predisposing syndrome. Last evaluated: 2021-04-08. Review status: criteria provided, single submitter. Criteria: Ambry Variant Classification Scheme 2023. Collection method: clinical testing. Allele origin: germline.

Color Diagnostics, LLC DBA Color Health
Classification: Likely benign for Hereditary cancer-predisposing syndrome. Last evaluated: 2018-02-06. Review status: criteria provided, single submitter. Criteria: ACMG Guidelines, 2015. Collection method: clinical testing. Allele origin: germline.

CHEO Genetics Diagnostic Laboratory, Children's Hospital of Eastern Ontario
Classification: Likely benign for Breast and/or ovarian cancer. Last evaluated: 2017-11-20. Review status: criteria provided, single submitter. Criteria: ACMG Guidelines, 2015. Collection method: clinical testing. Allele origin: germline.